The following is an entry in ClinVar:

ClinVar aggregate classification (germline): Benign (0 of 4 stars; one submission).

Conditions:
Bardet-Biedl syndrome (BBS). Identifiers: Orphanet 110, MedGen C0752166, MONDO:0015229.

Allele frequency attached by ClinVar (database versions not stated): gnomAD exomes 0.00001.
gnomAD v4.1: 1 of 1,564,888 alleles (0.000064%); highest among the groups gnomAD compares: Non-Finnish European, 0.000087%; no homozygotes.

Submission:

GeneReviews
Classification: Benign for Bardet-Biedl Syndrome. Last evaluated: 2009-10-13. Review status: no assertion criteria provided. Collection method: curation. Allele origin: unknown.
ClinVar note: Converted during submission from benign to Benign.

NM_033028.5(BBS4):c.17T>C (p.Val6Ala)

Gene: BBS4 (Bardet-Biedl syndrome 4; plus strand). Cytogenetic location: 15q24.1.
Variant type: single nucleotide variant.
Coding change: c.17T>C on transcript NM_033028.5 (MANE Select); coding-DNA position 17, T replaced by C.
Protein change: p.Val6Ala; replaces valine 6 with alanine.
Molecular consequence: missense variant. On other transcripts: 5 prime UTR variant (1), non-coding transcript variant (2).
Genome position (GRCh38, 1-based): chr15:72,686,244, T>C. VCF-style: chr15-72686244-T-C. GRCh37 (hg19) VCF-style: chr15-72978585-T-C.
Other names: c.17T/C; c.-453T>C (NM_001252678.2); c.17T>C, p.Val6Ala (NM_001320665.2); short protein forms V6A.
Identifiers: ClinVar variation 21736 (VCV000021736.3), dbSNP rs113994185, ClinGen allele CA342428.
Genomic context (GRCh38, chr15:72,686,244, plus strand): 5'-GGAAACCGCCGACTTCCGGCCGCGCAGCGGTGGGCTGAGCTAAAATGGCTGAGGAGAGAG[T>C]CGCGACGGTGAGCGCCGAGATTCTCTTTAGTTGCCCGGCCGCAGGGCAAGGCAAGCTGGC-3'
Protein context (NP_149017.2, residues 1-16): MAEER[Val6Ala]ATRTQFPVST